The following is an entry in ClinVar:

ClinVar aggregate classification (germline): Uncertain significance. Review status: criteria provided, multiple submitters, no conflicts (2 of 4 stars). 4 submissions from 4 submitters: Uncertain significance (4). Last evaluated 2025-10-24.

Conditions:
RP1L1-related disorder. Also called: RP1L1-related condition.
Retinitis pigmentosa 88. Identifiers: MedGen C5394208, MONDO:0032940, OMIM 618826.
Occult macular dystrophy (OCMD). Also called: OMD; OCCULT MACULAR DYSTROPHY, SUSCEPTIBILITY TO. Identifiers: Orphanet 247834, MedGen C3150833, MONDO:0013316, OMIM 613587, HP:0030636.

Allele frequency attached by ClinVar (database versions not stated): gnomAD 0.00001; gnomAD exomes 0.00001 and 0.00003; TOPMed 0.00002.

Submissions (4):

PreventionGenetics, part of Exact Sciences
Classification: Uncertain significance for RP1L1-related condition. Last evaluated: 2025-10-24. Review status: criteria provided, single submitter. Criteria: ACMG Guidelines, 2015. Collection method: clinical testing. Allele origin: germline.
Comment: The RP1L1 c.202C>T variant is predicted to result in the amino acid substitution p.Leu68Phe. This variant has not been reported in the literature in association with retinal disease, but was reported in an individual with hereditary diffuse gastric cancer, which is not an established gene/disease correlation (Liu et al. 2022. PubMed ID: 36484990). This variant is reported in 0.0018% of alleles in individuals of European (Non-Finnish) descent in gnomAD. At this time, the clinical significance of this variant is uncertain due to the absence of conclusive functional and genetic evidence.

Labcorp Genetics (formerly Invitae), Labcorp
Classification: Uncertain significance. Last evaluated: 2025-03-17. Review status: criteria provided, single submitter. Criteria: Invitae Variant Classification Sherloc (09022015). Collection method: clinical testing. Allele origin: germline.
Comment: This sequence change replaces leucine, which is neutral and non-polar, with phenylalanine, which is neutral and non-polar, at codon 68 of the RP1L1 protein (p.Leu68Phe). This variant is present in population databases (no rsID available, gnomAD 0.002%). This variant has not been reported in the literature in individuals affected with RP1L1-related conditions. ClinVar contains an entry for this variant (Variation ID: 1369583). Invitae Evidence Modeling of protein sequence and biophysical properties (such as structural, functional, and spatial information, amino acid conservation, physicochemical variation, residue mobility, and thermodynamic stability) has been performed for this missense variant. However, the output from this modeling did not meet the statistical confidence thresholds required to predict the impact of this variant on RP1L1 protein function. In summary, the available evidence is currently insufficient to determine the role of this variant in disease. Therefore, it has been classified as a Variant of Uncertain Significance.

Blueprint Genetics
Classification: Uncertain significance. Last evaluated: 2024-06-05. Review status: criteria provided, single submitter. Criteria: ACMG Guidelines, 2015. Collection method: clinical testing. Allele origin: germline.

Fulgent Genetics
Classification: Uncertain significance for Occult macular dystrophy; Retinitis pigmentosa 88. Last evaluated: 2021-11-02. Review status: criteria provided, single submitter. Criteria: ACMG Guidelines, 2015. Collection method: clinical testing. Allele origin: unknown.

NM_178857.6(RP1L1):c.202C>T (p.Leu68Phe)

Gene: RP1L1 (RP1 like 1). Cytogenetic location: 8p23.1.
Variant type: single nucleotide variant.
Coding change: c.202C>T on transcript NM_178857.6 (MANE Select); coding-DNA position 202, C replaced by T.
Protein change: p.Leu68Phe; replaces leucine 68 with phenylalanine.
Molecular consequence: missense variant.
Genome position (GRCh38, 1-based): chr8:10,623,000, G>A on the plus strand (C>T on the coding strand, the complement: RP1L1 is on the minus strand). VCF-style: chr8-10623000-G-A. GRCh37 (hg19) VCF-style: chr8-10480510-G-A.
Other names: c.202C>T (NM_178857.5); short protein forms L68F.
Identifiers: ClinVar variation 1369583 (VCV001369583.9), dbSNP rs902459185, ClinGen allele CA171954934.